The following is an entry in ClinVar:

ClinVar aggregate classification (germline): Uncertain significance (1 of 4 stars; one submission).

Conditions:
Neuroblastoma, susceptibility to, 3. Also called: ALK-Related Neuroblastic Tumor Susceptibility. Identifiers: Orphanet 635, MedGen C2751681, MONDO:0013083, OMIM 613014.

gnomAD v4.1: 1 of 1,614,112 alleles (0.000062%); highest among the groups gnomAD compares: South Asian, 0.0011%; no homozygotes.

Submission:

Labcorp Genetics (formerly Invitae), Labcorp
Classification: Uncertain significance for Neuroblastoma, susceptibility to, 3. Last evaluated: 2021-01-20. Review status: criteria provided, single submitter. Criteria: Invitae Variant Classification Sherloc (09022015). Collection method: clinical testing. Allele origin: germline.
Comment: This sequence change replaces isoleucine with threonine at codon 1179 of the ALK protein (p.Ile1179Thr). The isoleucine residue is highly conserved and there is a moderate physicochemical difference between isoleucine and threonine. In summary, the available evidence is currently insufficient to determine the role of this variant in disease. Therefore, it has been classified as a Variant of Uncertain Significance. Algorithms developed to predict the effect of missense changes on protein structure and function (SIFT, PolyPhen-2, Align-GVGD) all suggest that this variant is likely to be disruptive, but these predictions have not been confirmed by published functional studies and their clinical significance is uncertain. This variant has not been reported in the literature in individuals with ALK-related conditions. This variant is not present in population databases (ExAC no frequency).

NM_004304.5(ALK):c.3536T>C (p.Ile1179Thr)

Gene: ALK (ALK receptor tyrosine kinase; minus strand). Cytogenetic location: 2p23.2.
Variant type: single nucleotide variant.
Coding change: c.3536T>C on transcript NM_004304.5 (MANE Select); coding-DNA position 3536, T replaced by C.
Protein change: p.Ile1179Thr; replaces isoleucine 1179 with threonine.
Molecular consequence: missense variant.
Genome position (GRCh38, 1-based): chr2:29,220,815, A>G on the plus strand (T>C on the coding strand, the complement: ALK is on the minus strand). VCF-style: chr2-29220815-A-G. GRCh37 (hg19) VCF-style: chr2-29443681-A-G.
Other names: c.332T>C, p.Ile111Thr (NM_001353765.2); short protein forms I111T, I1179T.
Identifiers: ClinVar variation 1524234 (VCV001524234.8), dbSNP rs2148166668, ClinGen allele CA346473154.